The following is an entry in ClinVar:

ClinVar aggregate classification (germline): Conflicting classifications of pathogenicity. Review status: criteria provided, conflicting classifications (1 of 4 stars). 6 submissions from 6 submitters: Uncertain significance (4); Likely benign (1). 1 of the submissions does not count toward it. Last evaluated 2026-07-01.

Conditions:
HSD10 mitochondrial disease (HSD10MD). Also called: HSD17B10 DEFICIENCY; MHBD DEFICIENCY; 17-beta-hydroxysteroid dehydrogenase X deficiency; HSD10 deficiency; 3H2MBD deficiency; 3-hydroxy-2-methylbutyryl-CoA dehydrogenase deficiency. Identifiers: Orphanet 391417, Orphanet 85295, MedGen C3266731, MONDO:0010327, OMIM 300438. Disease mechanism: loss of function.

Allele frequency attached by ClinVar (database versions not stated): ExAC 0.00005; gnomAD exomes 0.00005 and 0.00006; gnomAD 0.00009 and 0.00010; TOPMed 0.00009.
gnomAD v4.1: 68 of 1,207,994 alleles (0.0056%); highest among the groups gnomAD compares: Admixed American, 0.011%; no homozygotes.

Submissions (6):

CeGaT Center for Human Genetics Tuebingen
Classification: Likely benign. Last evaluated: 2026-07-01. Review status: criteria provided, single submitter. Criteria: CeGaT Center For Human Genetics Tuebingen Variant Classification Criteria Version 2. Collection method: clinical testing. Allele origin: germline. Affected: yes. Observed: 1 variant allele.
Comment: HSD17B10: BP4, BS2

Women's Health and Genetics/Laboratory Corporation of America, LabCorp
Classification: Uncertain significance. Last evaluated: 2025-01-03. Review status: criteria provided, single submitter. Criteria: LabCorp Variant Classification Summary - May 2015. Collection method: clinical testing. Allele origin: germline.
Comment: Variant summary: HSD17B10 c.347G>A (p.Arg116Gln) results in a conservative amino acid change in the encoded protein sequence. Four of five in-silico tools predict a benign effect of the variant on protein function. The variant allele was found at a frequency of 5.6e-05 in 177115 control chromosomes (including 3 hemizygotes). This frequency is not significantly higher than estimated for a pathogenic variant in HSD17B10 causing 2-Methyl-3-Hydroxybutyric Aciduria (5.6e-05 vs 0.0011), allowing no conclusion about variant significance. c.347G>A has been reported in the literature in an individual affected with psychomotor retardation, epilepsy, hypotonia, and cortical dysplasia (example: Vissers_2017). These reports do not provide unequivocal conclusions about association of the variant with 2-Methyl-3-Hydroxybutyric Aciduria. To our knowledge, no experimental evidence demonstrating an impact on protein function has been reported. The following publications have been ascertained in the context of this evaluation (PMID: 28333917, 35710456). ClinVar contains an entry for this variant (Variation ID: 1690322). Based on the evidence outlined above, the variant was classified as uncertain significance.

ARUP Laboratories, Molecular Genetics and Genomics, ARUP Laboratories
Classification: Uncertain significance for HSD10 mitochondrial disease. Last evaluated: 2024-11-07. Review status: criteria provided, single submitter. Criteria: ARUP Molecular Germline Variant Investigation Process 2024. Collection method: clinical testing. Allele origin: germline.

Labcorp Genetics (formerly Invitae), Labcorp
Classification: Uncertain significance. Last evaluated: 2022-09-12. Review status: criteria provided, single submitter. Criteria: Invitae Variant Classification Sherloc (09022015). Collection method: clinical testing. Allele origin: germline.
Comment: This sequence change replaces arginine, which is basic and polar, with glutamine, which is neutral and polar, at codon 116 of the HSD17B10 protein (p.Arg116Gln). This variant is present in population databases (rs782357172, gnomAD 0.01%). This missense change has been observed in individual(s) with psychomotor retardation, epilepsy, hypotonia, and cortical dysplasia (PMID: 28333917). ClinVar contains an entry for this variant (Variation ID: 1690322). Advanced modeling of protein sequence and biophysical properties (such as structural, functional, and spatial information, amino acid conservation, physicochemical variation, residue mobility, and thermodynamic stability) performed at Invitae indicates that this missense variant is not expected to disrupt HSD17B10 protein function. In summary, the available evidence is currently insufficient to determine the role of this variant in disease. Therefore, it has been classified as a Variant of Uncertain Significance.

Revvity Omics, Revvity
Classification: Uncertain significance for HSD10 mitochondrial disease. Last evaluated: 2021-09-28. Review status: criteria provided, single submitter. Criteria: ACMG Guidelines, 2015. Collection method: clinical testing. Allele origin: germline.

Joint Genome Diagnostic Labs from Nijmegen and Maastricht, Radboudumc and MUMC+
Classification: Pathogenic. Review status: no assertion criteria provided. Collection method: clinical testing. Allele origin: germline. Affected: yes. Not counted in ClinVar's aggregate classification.

Literature cited by the submitters: PubMed 28333917 (cited by Women's Health and Genetics/Laboratory Corporation of America, LabCorp and Labcorp Genetics (formerly Invitae), Labcorp); PubMed 35710456 (cited by Women's Health and Genetics/Laboratory Corporation of America, LabCorp).

NM_004493.3(HSD17B10):c.347G>A (p.Arg116Gln)

Gene: HSD17B10 (hydroxysteroid 17-beta dehydrogenase 10; minus strand). Cytogenetic location: Xp11.22.
Variant type: single nucleotide variant.
Coding change: c.347G>A on transcript NM_004493.3 (MANE Select); coding-DNA position 347, G replaced by A.
Protein change: p.Arg116Gln; replaces arginine 116 with glutamine.
Molecular consequence: missense variant.
Genome position (GRCh38, 1-based): chrX:53,432,257, C>T on the plus strand (G>A on the coding strand, the complement: HSD17B10 is on the minus strand). VCF-style: chrX-53432257-C-T. GRCh37 (hg19) VCF-style: chrX-53459205-C-T.
Other names: c.347G>A, p.Arg116Gln (NM_001037811.2); short protein forms R116Q.
Identifiers: ClinVar variation 1690322 (VCV001690322.11), dbSNP rs782357172, ClinGen allele CA10421014.